The following is an entry in ClinVar:

ClinVar aggregate classification (germline): Conflicting classifications of pathogenicity. Review status: criteria provided, conflicting classifications (1 of 4 stars). 6 submissions from 6 submitters: Uncertain significance (3); Likely benign (3). Last evaluated 2026-06-09.

Conditions:
Classic or attenuated familial adenomatous polyposis. Identifiers: MedGen CN372698, MONDO:0021057.
Hereditary cancer-predisposing syndrome. Also called: Tumor predisposition; Hereditary neoplastic syndrome; Neoplastic Syndromes, Hereditary; Hereditary Cancer Syndrome. Identifiers: Orphanet 140162, MedGen C0027672, MeSH D009386, MONDO:0015356.
APC associated polyposis.
Familial adenomatous polyposis 1 (FAP1). Also called: POLYPOSIS, ADENOMATOUS INTESTINAL; FAMILIAL ADENOMATOUS POLYPOSIS 1, ATTENUATED. Identifiers: MedGen C2713442, MONDO:0021056, OMIM 175100. Disease mechanism: loss of function.

Allele frequency attached by ClinVar (database versions not stated): gnomAD 0.00001; gnomAD exomes 0.00003.
gnomAD v4.1: 39 of 1,602,232 alleles (0.0024%); highest among the groups gnomAD compares: Non-Finnish European, 0.0033%; no homozygotes.

Submissions (6):

Genomics and Molecular Medicine Service, East Genomic Laboratory Hub, NHS Genomic Medicine Service
Classification: Likely benign for APC associated polyposis. Last evaluated: 2026-06-09. Review status: criteria provided, single submitter. Criteria: ACGS Best Practice Guidelines for Variant Classification in Rare Disease 2020. Collection method: clinical testing. Allele origin: germline. Affected: yes.
Comment: BS1_Strong,BP4

Women's Health and Genetics/Laboratory Corporation of America, LabCorp
Classification: Likely benign. Last evaluated: 2026-05-29. Review status: criteria provided, single submitter. Criteria: LabCorp Variant Classification Summary - May 2015. Collection method: clinical testing. Allele origin: germline.
Comment: Variant summary: APC c.646-8T>A alters a nucleotide located at a position not widely known to affect splicing. Consensus agreement among computation tools predict no significant impact on normal splicing. However, these predictions have yet to be confirmed by functional studies. The variant was absent in 249338 control chromosomes. The available data on variant occurrences in the general population are insufficient to allow any conclusion about variant significance. c.646-8T>A has been reported in the literature in at least one individual affected with colorectal cancer (e.g. Yurgelun_2017). This report does not provide unequivocal conclusions about association of the variant with Familial Adenomatous Polyposis. To our knowledge, no experimental evidence demonstrating an impact on protein function has been reported. The following publication have been ascertained in the context of this evaluation (PMID: 28135145). ClinVar contains an entry for this variant (Variation ID: 246199). Based on the evidence outlined above, the variant was classified as likely benign.

Labcorp Genetics (formerly Invitae), Labcorp
Classification: Likely benign for Familial adenomatous polyposis 1. Last evaluated: 2025-06-10. Review status: criteria provided, single submitter. Criteria: Invitae Variant Classification Sherloc (09022015). Collection method: clinical testing. Allele origin: germline.

GeneDx
Classification: Uncertain significance. Last evaluated: 2024-02-11. Review status: criteria provided, single submitter. Criteria: GeneDx Variant Classification Process June 2021. Collection method: clinical testing. Allele origin: germline. Affected: yes.
Comment: In silico analysis supports that this variant does not alter splicing; Observed in at least one individual with a personal history of colon cancer who underwent multi-gene panel testing (PMID: 28135145); Not observed at significant frequency in large population cohorts (gnomAD); Also known as IVS5-8T>A; This variant is associated with the following publications: (PMID: 28135145)

All of Us Research Program, National Institutes of Health
Classification: Uncertain significance for Classic or attenuated familial adenomatous polyposis. Last evaluated: 2023-11-20. Review status: criteria provided, single submitter. Criteria: ACMG Guidelines, 2015. Collection method: clinical testing. Allele origin: germline. Inheritance: Autosomal dominant inheritance. Observed: 2 variant alleles, 2 heterozygotes.
Comment: This variant causes a T to A nucleotide substitution at the -8 position of intron 6 of the APC gene. To our knowledge, functional studies have not been reported for this variant. This variant has not been reported in individuals affected with colorectal cancer (PMID: 28135145). This variant has been identified in 1/31380 chromosomes in the general population by the Genome Aggregation Database (gnomAD). The available evidence is insufficient to determine the role of this variant in disease conclusively. Therefore, this variant is classified as a Variant of Uncertain Significance.

This study involves interpretation of variants in research participants for the purpose of population health screening. Participant phenotype was not available at the time of variant classification. Additional details can be found in publication PMID: 35346344, PMCID: PMC8962531

Color Diagnostics, LLC DBA Color Health
Classification: Uncertain significance for Hereditary cancer-predisposing syndrome. Last evaluated: 2023-06-01. Review status: criteria provided, single submitter. Criteria: ACMG Guidelines, 2015. Collection method: clinical testing. Allele origin: germline.
Comment: This variant causes a T to A nucleotide substitution at the -8 position of intron 6 of the APC gene. To our knowledge, functional studies have not been reported for this variant. This variant has not been reported in individuals affected with colorectal cancer (PMID: 28135145). This variant has been identified in 1/31380 chromosomes in the general population by the Genome Aggregation Database (gnomAD). The available evidence is insufficient to determine the role of this variant in disease conclusively. Therefore, this variant is classified as a Variant of Uncertain Significance.

Literature cited by the submitters: PubMed 28135145 (cited by 3 submitters).

NM_000038.6(APC):c.646-8T>A

Gene: APC (APC regulator of Wnt signaling pathway; plus strand). Cytogenetic location: 5q22.2.
Variant type: single nucleotide variant.
Coding change: c.646-8T>A on transcript NM_000038.6 (MANE Select); 8 bases into the intron before coding-DNA position 646, T replaced by A.
Molecular consequence: intron variant.
Genome position (GRCh38, 1-based): chr5:112,792,438, T>A. VCF-style: chr5-112792438-T-A. GRCh37 (hg19) VCF-style: chr5-112128135-T-A.
Other names: c.646-8T>A (NM_001354895.2, NM_001127510.3, NM_001354896.2 and 1 more transcripts); c.676-8T>A (NM_001354897.2, NM_001354902.2); c.676-8841T>A (NM_001127511.3); c.571-8T>A (NM_001354898.2, NM_001354904.2); c.-390-8T>A (NM_001354906.2); c.646-8841T>A (NM_001354899.2); c.469-8T>A (NM_001354900.2, NM_001354901.2, NM_001354905.2).
Identifiers: ClinVar variation 246199 (VCV000246199.24), dbSNP rs879254149, ClinGen allele CA10584238.